The following is an entry in ClinVar:

NM_152703.5(SAMD9L):c.2107G>T (p.Glu703Ter)

Gene: SAMD9L (sterile alpha motif domain containing 9 like; minus strand). Cytogenetic location: 7q21.2.
Variant type: single nucleotide variant.
Coding change: c.2107G>T on transcript NM_152703.5 (MANE Select); coding-DNA position 2107, G replaced by T.
Protein change: p.Glu703Ter; replaces glutamic acid 703 with a stop codon.
Molecular consequence: nonsense.
Genome position (GRCh38, 1-based): chr7:93,133,865, C>A on the plus strand (G>T on the coding strand, the complement: SAMD9L is on the minus strand). VCF-style: chr7-93133865-C-A. GRCh37 (hg19) VCF-style: chr7-92763178-C-A.
Other names: c.2107G>T, p.Glu703Ter (NM_001303496.3, NM_001303497.3, NM_001303498.3 and 5 more transcripts); short protein forms E703*.
Identifiers: ClinVar variation 3775630 (VCV003775630.2).
Genomic context (GRCh38, chr7:93,133,865, plus strand): 5'-GTATTAAATCTTTAAGCTTTTCATAACTGTCCCTTTTAACAAAATCTGAAGAATAGTTTT[C>A]AGAAGAAAAATAGAAGTTCCACCAGGATACTTTGCCACCTCGATAAAAGTGTTCTTCTTT-3'

ClinVar aggregate classification (germline): Conflicting classifications of pathogenicity. Review status: criteria provided, conflicting classifications (1 of 4 stars). 2 submissions from 2 submitters: Likely pathogenic (1); Uncertain significance (1). Last evaluated 2025-07-13.

Conditions:
Ataxia-pancytopenia syndrome (ATXPC). Also called: SAMD9L Ataxia-Pancytopenia Syndrome; SAMD9L-Related Syndrome. Identifiers: Orphanet 2585, MedGen C1327919, MONDO:0008038, OMIM 159550.

Submissions (2):

Labcorp Genetics (formerly Invitae), Labcorp
Classification: Uncertain significance. Last evaluated: 2025-07-13. Review status: criteria provided, single submitter. Criteria: Invitae Variant Classification Sherloc (09022015). Collection method: clinical testing. Allele origin: germline.
Comment: This sequence change creates a premature translational stop signal (p.Glu703*) in the SAMD9L gene. While this is not anticipated to result in nonsense mediated decay, it is expected to disrupt the last 882 amino acid(s) of the SAMD9L protein. This variant is not present in population databases (gnomAD no frequency). This variant has not been reported in the literature in individuals affected with SAMD9L-related conditions. ClinVar contains an entry for this variant (Variation ID: 3775630). In summary, the available evidence is currently insufficient to determine the role of this variant in disease. Therefore, it has been classified as a Variant of Uncertain Significance.

3billion
Classification: Likely pathogenic for Ataxia-pancytopenia syndrome. Last evaluated: 2023-11-21. Review status: criteria provided, single submitter. Criteria: ACMG Guidelines, 2015. Collection method: clinical testing. Allele origin: germline. Affected: yes.
Comment: The variant is not observed in the gnomAD v2.1.1 dataset. Predicted Consequence/Location: Stop-gained (nonsense): predicted to result in a loss or disruption of normal protein function through protein truncation. The predicted truncated protein may be shortened by more than 10%. Most of the reported disease-causing variants are missense variants. Therefore, this variant is classified as VUS according to the recommendation of ACMG/AMP guideline.